The following is an entry in ClinVar:

ClinVar aggregate classification (germline): Uncertain significance (1 of 4 stars; one submission).

Conditions:
Generalized epilepsy with febrile seizures plus, type 9 (GEFSP9). Also called: GEFS+, TYPE 9. Identifiers: Orphanet 36387, MedGen C4015395, MONDO:0014517, OMIM 616172.

Submission:

Labcorp Genetics (formerly Invitae), Labcorp
Classification: Uncertain significance for Generalized epilepsy with febrile seizures plus, type 9. Last evaluated: 2023-04-23. Review status: criteria provided, single submitter. Criteria: Invitae Variant Classification Sherloc (09022015). Collection method: clinical testing. Allele origin: germline.
Comment: This sequence change replaces glycine, which is neutral and non-polar, with arginine, which is basic and polar, at codon 284 of the STX1B protein (p.Gly284Arg). This variant is not present in population databases (gnomAD no frequency). This variant has not been reported in the literature in individuals affected with STX1B-related conditions. ClinVar contains an entry for this variant (Variation ID: 1487125). An algorithm developed to predict the effect of missense changes on protein structure and function (PolyPhen-2) suggests that this variant is likely to be disruptive. In summary, the available evidence is currently insufficient to determine the role of this variant in disease. Therefore, it has been classified as a Variant of Uncertain Significance.

NM_052874.5(STX1B):c.850G>A (p.Gly284Arg)

Gene: STX1B (syntaxin 1B; minus strand). Cytogenetic location: 16p11.2.
Variant type: single nucleotide variant.
Coding change: c.850G>A on transcript NM_052874.5 (MANE Select); coding-DNA position 850, G replaced by A.
Protein change: p.Gly284Arg; replaces glycine 284 with arginine.
Molecular consequence: missense variant.
Genome position (GRCh38, 1-based): chr16:30,992,838, C>T on the plus strand (G>A on the coding strand, the complement: STX1B is on the minus strand). VCF-style: chr16-30992838-C-T. GRCh37 (hg19) VCF-style: chr16-31004159-C-T.
Other names: short protein forms G284R.
Identifiers: ClinVar variation 1487125 (VCV001487125.8), dbSNP rs2143660649, ClinGen allele CA395645828.
Genomic context (GRCh38, chr16:30,992,838, plus strand): 5'-TGTGGTGGGGGAAGGGTCTGGGAGAGAGAAGGGTGGGGGGGGCCTACAAGCCCAGCGTCC[C>T]CCCAATGGATGACGCCAAGACCACCCCCAGCACCACACAGCAAATGATGATCATGATTTT-3'
Protein context (NP_443106.1, residues 274-288): LGVVLASSIG[Gly284Arg]TLGL